The following is an entry in ClinVar:

NM_005045.4(RELN):c.2303+16G>T

Gene: RELN (reelin; minus strand). Cytogenetic location: 7q22.1.
Variant type: single nucleotide variant.
Coding change: c.2303+16G>T on transcript NM_005045.4 (MANE Select); 16 bases into the intron after coding-DNA position 2303, G replaced by T.
Molecular consequence: intron variant.
Genome position (GRCh38, 1-based): chr7:103,636,219, C>A on the plus strand (G>T on the coding strand, the complement: RELN is on the minus strand). VCF-style: chr7-103636219-C-A. GRCh37 (hg19) VCF-style: chr7-103276666-C-A.
Other names: c.2303+16G>T (NM_173054.3).
Identifiers: ClinVar variation 515786 (VCV000515786.11), dbSNP rs188276472, ClinGen allele CA4422036.

ClinVar aggregate classification (germline): Benign/Likely benign. Review status: criteria provided, multiple submitters, no conflicts (2 of 4 stars). 3 submissions from 3 submitters: Benign (1); Likely benign (2). Last evaluated 2026-02-02.

Conditions:
Familial temporal lobe epilepsy 7. Identifiers: Orphanet 101046, MedGen C4225327, MONDO:0014639, OMIM 616436.
Norman-Roberts syndrome (LIS2). Also called: Lissencephaly 2 (Norman-Roberts type). Identifiers: Orphanet 89844, MedGen C0796089, MONDO:0009760, OMIM 257320.

Allele frequency attached by ClinVar (database versions not stated): gnomAD exomes 0.00047; ExAC 0.00071; ESP Exome Variant Server 0.00146; 1000 Genomes Project 30x 0.00172; 1000 Genomes Project 0.00180; gnomAD 0.00188 and 0.00198; TOPMed 0.00218.
gnomAD v4.1: 537 of 1,544,500 alleles (0.035%); highest among the groups gnomAD compares: African/African-American, 0.6%; 2 homozygotes.

Submissions (3):

Labcorp Genetics (formerly Invitae), Labcorp
Classification: Benign for Familial temporal lobe epilepsy 7; Norman-Roberts syndrome. Last evaluated: 2026-02-02. Review status: criteria provided, single submitter. Criteria: Invitae Variant Classification Sherloc (09022015). Collection method: clinical testing. Allele origin: germline.

Blueprint Genetics
Classification: Likely benign. Last evaluated: 2024-10-07. Review status: criteria provided, single submitter. Criteria: ACMG Guidelines, 2015. Collection method: clinical testing. Allele origin: germline.

GeneDx
Classification: Likely benign. Last evaluated: 2018-03-06. Review status: criteria provided, single submitter. Criteria: GeneDx Variant Classification (06012015). Collection method: clinical testing. Allele origin: germline. Affected: yes.
Comment: This variant is considered likely benign or benign based on one or more of the following criteria: it is a conservative change, it occurs at a poorly conserved position in the protein, it is predicted to be benign by multiple in silico algorithms, and/or has population frequency not consistent with disease.